The following is an entry in ClinVar:

NM_003172.4(SURF1):c.369G>C (p.Arg123Ser)

Gene: SURF1 (SURF1 cytochrome c oxidase assembly factor; minus strand). Cytogenetic location: 9q34.2.
Variant type: single nucleotide variant.
Coding change: c.369G>C on transcript NM_003172.4 (MANE Select); coding-DNA position 369, G replaced by C.
Protein change: p.Arg123Ser; replaces arginine 123 with serine.
Molecular consequence: missense variant.
Genome position (GRCh38, 1-based): chr9:133,353,895, C>G on the plus strand (G>C on the coding strand, the complement: SURF1 is on the minus strand). VCF-style: chr9-133353895-C-G. GRCh37 (hg19) VCF-style: chr9-136220750-C-G.
Other names: c.42G>C, p.Arg14Ser (NM_001280787.1); short protein forms R14S, R123S.
Identifiers: ClinVar variation 2892849 (VCV002892849.3), dbSNP rs968051483, ClinGen allele CA200833062.

ClinVar aggregate classification (germline): Uncertain significance (1 of 4 stars; one submission).

Conditions:
Leigh syndrome (NULS). Also called: Subacute necrotizing encephalopathy; Necrotizing encephalopathy infantile subacute of Leigh; Leigh Syndrome (mtDNA deletion); LEIGH SYNDROME, NUCLEAR; Leigh's syndrome; Leigh's necrotizing encephalopathy. Identifiers: Orphanet 506, MedGen C2931891, MONDO:0009723, OMIM 256000.

Allele frequency attached by ClinVar (database versions not stated): gnomAD exomes below 0.00001; TOPMed below 0.00001.

Submission:

Labcorp Genetics (formerly Invitae), Labcorp
Classification: Uncertain significance for Leigh syndrome. Last evaluated: 2023-04-27. Review status: criteria provided, single submitter. Criteria: Invitae Variant Classification Sherloc (09022015). Collection method: clinical testing. Allele origin: germline.
Comment: This variant is not present in population databases (gnomAD no frequency). In summary, the available evidence is currently insufficient to determine the role of this variant in disease. Therefore, it has been classified as a Variant of Uncertain Significance. Advanced modeling of protein sequence and biophysical properties (such as structural, functional, and spatial information, amino acid conservation, physicochemical variation, residue mobility, and thermodynamic stability) performed at Invitae indicates that this missense variant is not expected to disrupt SURF1 protein function. This variant has not been reported in the literature in individuals affected with SURF1-related conditions. This sequence change replaces arginine, which is basic and polar, with serine, which is neutral and polar, at codon 123 of the SURF1 protein (p.Arg123Ser).